The following is an entry in ClinVar:

NM_001018115.3(FANCD2):c.436C>T (p.Gln146Ter)

Genes: FANCD2 (FA complementation group D2; plus strand), LOC107303338 (3p25 FANCD2 Alu-mediated recombination region; plus strand). Cytogenetic location: 3p25.3.
Variant type: single nucleotide variant.
Coding change: c.436C>T on transcript NM_001018115.3 (MANE Select); coding-DNA position 436, C replaced by T.
Protein change: p.Gln146Ter; replaces glutamine 146 with a stop codon.
Molecular consequence: nonsense.
Genome position (GRCh38, 1-based): chr3:10,035,231, C>T. VCF-style: chr3-10035231-C-T. GRCh37 (hg19) VCF-style: chr3-10076915-C-T.
Other names: c.436C>T, p.Gln146Ter (NM_001319984.2, NM_001374253.1, NM_001374254.1 and 2 more transcripts); short protein forms Q146*.
Identifiers: ClinVar variation 4732665 (VCV004732665.1).

ClinVar aggregate classification (germline): Pathogenic (1 of 4 stars; one submission).

Conditions:
Fanconi anemia (FA). Also called: Fanconi's anemia. Identifiers: Orphanet 84, MedGen C0015625, MeSH D005199, MONDO:0019391.

Submission:

Labcorp Genetics (formerly Invitae), Labcorp
Classification: Pathogenic for Fanconi anemia. Last evaluated: 2026-01-27. Review status: criteria provided, single submitter. Criteria: Invitae Variant Classification Sherloc (09022015). Collection method: clinical testing. Allele origin: germline.
Comment: This sequence change creates a premature translational stop signal (p.Gln146*) in the FANCD2 gene. It is expected to result in an absent or disrupted protein product. Loss-of-function variants in FANCD2 are known to be pathogenic (PMID: 17436244). This variant is present in population databases (rs368848371, gnomAD 0.0009%). This variant has not been reported in the literature in individuals affected with FANCD2-related conditions. Algorithms developed to predict the effect of sequence changes on RNA splicing suggest that this variant may disrupt the consensus splice site. For these reasons, this variant has been classified as Pathogenic.

Literature cited by the submitters: PubMed 17436244.